The following is an entry in ClinVar:

NM_001079520.2(DACT1):c.2009C>T (p.Ala670Val)

Gene: DACT1 (dishevelled binding antagonist of beta catenin 1; plus strand). Cytogenetic location: 14q23.1.
Variant type: single nucleotide variant.
Coding change: c.2009C>T on transcript NM_001079520.2 (MANE Select); coding-DNA position 2009, C replaced by T.
Protein change: p.Ala670Val; replaces alanine 670 with valine.
Molecular consequence: missense variant. On other transcripts: non-coding transcript variant (5).
Genome position (GRCh38, 1-based): chr14:58,646,743, C>T. VCF-style: chr14-58646743-C-T. GRCh37 (hg19) VCF-style: chr14-59113461-C-T.
Other names: c.2120C>T, p.Ala707Val (NM_016651.6); short protein forms A670V, A707V.
Identifiers: ClinVar variation 2644263 (VCV002644263.24), dbSNP rs2047692027, ClinGen allele CA389870551.

ClinVar aggregate classification (germline): Uncertain significance (1 of 4 stars; one submission).

Allele frequency attached by ClinVar (database versions not stated): TOPMed below 0.00001.

Submission:

CeGaT Center for Human Genetics Tuebingen
Classification: Uncertain significance. Last evaluated: 2022-09-01. Review status: criteria provided, single submitter. Criteria: CeGaT Center For Human Genetics Tuebingen Variant Classification Criteria Version 2. Collection method: clinical testing. Allele origin: germline. Affected: yes. Observed: 1 variant allele.
Comment: DACT1: PM2